The following is an entry in ClinVar:

NM_020774.4(MIB1):c.122G>A (p.Ser41Asn)

Gene: MIB1 (MIB E3 ubiquitin protein ligase 1; plus strand). Cytogenetic location: 18q11.2.
Variant type: single nucleotide variant.
Coding change: c.122G>A on transcript NM_020774.4 (MANE Select); coding-DNA position 122, G replaced by A.
Protein change: p.Ser41Asn; replaces serine 41 with asparagine.
Molecular consequence: missense variant.
Genome position (GRCh38, 1-based): chr18:21,741,705, G>A. VCF-style: chr18-21741705-G-A. GRCh37 (hg19) VCF-style: chr18-19321666-G-A.
Other names: short protein forms S41N.
Identifiers: ClinVar variation 4993733 (VCV004993733.1).

ClinVar aggregate classification (germline): Uncertain significance (1 of 4 stars; one submission).

Conditions:
MIB1-related disorder. Also called: MIB1-related condition.

Submission:

PreventionGenetics, part of Exact Sciences
Classification: Uncertain significance for MIB1-related condition. Last evaluated: 2026-06-04. Review status: criteria provided, single submitter. Criteria: ACMG Guidelines, 2015. Collection method: clinical testing. Allele origin: germline.
Comment: The MIB1 c.122G>A variant is predicted to result in the amino acid substitution p.Ser41Asn. To our knowledge, this variant has not been reported in the literature or in a large population database (gnomAD), indicating this variant is rare. At this time, the clinical significance of this variant is uncertain due to the absence of conclusive functional and genetic evidence.